The following is an entry in ClinVar:

NM_004187.5(KDM5C):c.1382A>G (p.His461Arg)

Gene: KDM5C (lysine demethylase 5C; minus strand). Cytogenetic location: Xp11.22.
Variant type: single nucleotide variant.
Coding change: c.1382A>G on transcript NM_004187.5 (MANE Select); coding-DNA position 1382, A replaced by G.
Protein change: p.His461Arg; replaces histidine 461 with arginine.
Molecular consequence: missense variant. On other transcripts: non-coding transcript variant (3).
Genome position (GRCh38, 1-based): chrX:53,211,516, T>C on the plus strand (A>G on the coding strand, the complement: KDM5C is on the minus strand). VCF-style: chrX-53211516-T-C. GRCh37 (hg19) VCF-style: chrX-53240698-T-C.
Other names: c.1181A>G, p.His394Arg (NM_001146702.2); c.1379A>G, p.His460Arg (NM_001282622.3, NM_001353979.2, NM_001353982.2); c.1382A>G, p.His461Arg (NM_001353978.3, NM_001353981.2, NM_001353984.2); c.1382A>G (NM_004187.2); short protein forms H460R, H461R, H394R.
Identifiers: ClinVar variation 2121126 (VCV002121126.6), dbSNP rs2519514933, ClinGen allele CA413129514.

ClinVar aggregate classification (germline): Uncertain significance. Review status: criteria provided, multiple submitters, no conflicts (2 of 4 stars). 2 submissions from 2 submitters: Uncertain significance (2). Last evaluated 2025-09-24.

Conditions:
Spastic paraplegia. Identifiers: MedGen C0037772, HP:0001258.

Submissions (2):

GeneDx
Classification: Uncertain significance. Last evaluated: 2025-09-24. Review status: criteria provided, single submitter. Criteria: GeneDx Variant Classification Process June 2021. Collection method: clinical testing. Allele origin: germline. Affected: yes.
Comment: Not observed at significant frequency in large population cohorts (gnomAD); In silico analysis suggests that this missense variant does not alter protein structure/function; Has not been previously published as pathogenic or benign to our knowledge

Labcorp Genetics (formerly Invitae), Labcorp
Classification: Uncertain significance for Spastic paraplegia. Last evaluated: 2022-05-12. Review status: criteria provided, single submitter. Criteria: Invitae Variant Classification Sherloc (09022015). Collection method: clinical testing. Allele origin: germline.
Comment: This variant is not present in population databases (gnomAD no frequency). In summary, the available evidence is currently insufficient to determine the role of this variant in disease. Therefore, it has been classified as a Variant of Uncertain Significance. Advanced modeling of protein sequence and biophysical properties (such as structural, functional, and spatial information, amino acid conservation, physicochemical variation, residue mobility, and thermodynamic stability) performed at Invitae indicates that this missense variant is not expected to disrupt KDM5C protein function. This variant has not been reported in the literature in individuals affected with KDM5C-related conditions. This sequence change replaces histidine, which is basic and polar, with arginine, which is basic and polar, at codon 461 of the KDM5C protein (p.His461Arg).